The following is an entry in ClinVar:

NM_005676.5(RBM10):c.495A>G (p.Lys165=)

Gene: RBM10 (RNA binding motif protein 10; plus strand). Cytogenetic location: Xp11.3.
Variant type: single nucleotide variant.
Coding change: c.495A>G on transcript NM_005676.5 (MANE Select); coding-DNA position 495, A replaced by G.
Protein change: p.Lys165=; no amino-acid change (lysine 165 retained).
Molecular consequence: synonymous variant.
Genome position (GRCh38, 1-based): chrX:47,173,190, A>G. VCF-style: chrX-47173190-A-G. GRCh37 (hg19) VCF-style: chrX-47032589-A-G.
Other names: c.264A>G, p.Lys88= (NM_001204466.2, NM_152856.3); c.495A>G, p.Lys165= (NM_001204467.2); c.690A>G, p.Lys230= (NM_001204468.2); c.495A>G (NM_005676.4).
Identifiers: ClinVar variation 2870967 (VCV002870967.5), dbSNP rs782723961, ClinGen allele CA10395121.

ClinVar aggregate classification (germline): Benign. Review status: criteria provided, single submitter (1 of 4 stars). 2 submissions from 2 submitters: Benign (1). 1 of the submissions does not count toward it. Last evaluated 2024-02-21.

Conditions:
RBM10-related disorder. Also called: RBM10-related condition.

Allele frequency attached by ClinVar (database versions not stated): gnomAD exomes 0.00001; TOPMed 0.00002; ExAC 0.00004.

Submissions (2):

Labcorp Genetics (formerly Invitae), Labcorp
Classification: Benign. Last evaluated: 2024-02-21. Review status: criteria provided, single submitter. Criteria: Invitae Variant Classification Sherloc (09022015). Collection method: clinical testing. Allele origin: germline.

PreventionGenetics, part of Exact Sciences
Classification: Likely benign for RBM10-related condition. Last evaluated: 2019-11-16. Review status: no assertion criteria provided. Collection method: clinical testing. Allele origin: germline. Not counted in ClinVar's aggregate classification.
Comment: This variant is classified as likely benign based on ACMG/AMP sequence variant interpretation guidelines (Richards et al. 2015 PMID: 25741868, with internal and published modifications).